The following continues an entry in ClinVar:

NM_000059.4(BRCA2):c.125A>G (p.Tyr42Cys)

Gene: BRCA2. ClinVar aggregate classification (germline): Benign. Benign (1).

Submissions 21 to 43 of 43:

Clinical Genetics DNA and cytogenetics Diagnostics Lab, Erasmus MC, Erasmus Medical Center
Classification: Benign for Breast-ovarian cancer, familial, susceptibility to, 2. Last evaluated: 2015-09-21. Review status: criteria provided, single submitter. Criteria: ACGS Guidelines, 2013. Collection method: clinical testing. Allele origin: germline. Affected: yes. Study: VKGL Data-share Consensus. Not counted in ClinVar's aggregate classification.

Eurofins Ntd Llc (ga)
Classification: Likely benign. Last evaluated: 2015-05-19. Review status: criteria provided, single submitter. Criteria: EGL Classification Definitions 2015. Collection method: clinical testing. Allele origin: germline. Observed: 2 variant alleles, 2 heterozygotes. Not counted in ClinVar's aggregate classification.

Color Diagnostics, LLC DBA Color Health
Classification: Benign for Hereditary cancer-predisposing syndrome. Last evaluated: 2014-11-25. Review status: criteria provided, single submitter. Criteria: ACMG Guidelines, 2015. Collection method: clinical testing. Allele origin: germline. Not counted in ClinVar's aggregate classification.

Ambry Genetics
Classification: Benign for Hereditary cancer-predisposing syndrome. Last evaluated: 2014-11-19. Review status: criteria provided, single submitter. Criteria: Ambry Variant Classification Scheme 2023. Collection method: clinical testing. Allele origin: germline. Not counted in ClinVar's aggregate classification.

Molecular Genetics Laboratory, University of Michigan
Classification: Benign for Breast-ovarian cancer, familial, susceptibility to, 2. Last evaluated: 2014-11-03. Review status: criteria provided, single submitter. Criteria: ACMG Guidelines, 2015. Collection method: clinical testing. Allele origin: germline. Affected: yes. Not counted in ClinVar's aggregate classification.

Pathway Genomics
Classification: Benign for Breast-ovarian cancer, familial 2. Last evaluated: 2014-10-30. Review status: criteria provided, single submitter. Criteria: ACMG Guidelines, 2015. Collection method: clinical testing. Allele origin: germline. Not counted in ClinVar's aggregate classification.

Genome Diagnostics Laboratory, University Medical Center Utrecht
Classification: Benign for Breast-ovarian cancer, familial, susceptibility to, 2. Last evaluated: 2014-10-09. Review status: criteria provided, single submitter. Criteria: ACGS Guidelines, 2013. Collection method: clinical testing. Allele origin: germline. Affected: yes. Study: VKGL Data-share Consensus. Not counted in ClinVar's aggregate classification.

GeneDx
Classification: Benign. Last evaluated: 2013-10-28. Review status: criteria provided, single submitter. Criteria: GeneDx Variant Classification (06012015). Collection method: clinical testing. Allele origin: germline. Affected: yes. Not counted in ClinVar's aggregate classification.
Comment: This variant is considered likely benign or benign based on one or more of the following criteria: it is a conservative change, it occurs at a poorly conserved position in the protein, it is predicted to be benign by multiple in silico algorithms, and/or has population frequency not consistent with disease.

Women's Health and Genetics/Laboratory Corporation of America, LabCorp
Classification: Benign for Hereditary breast ovarian cancer syndrome. Last evaluated: 2013-10-09. Review status: criteria provided, single submitter. Criteria: LabCorp Variant Classification Summary - May 2015. Collection method: clinical testing. Allele origin: germline. Not counted in ClinVar's aggregate classification.

PreventionGenetics, part of Exact Sciences
Classification: Benign. Review status: criteria provided, single submitter. Criteria: ACMG Guidelines, 2015. Collection method: clinical testing. Allele origin: germline. Not counted in ClinVar's aggregate classification.

BRCAlab, Lund University
Classification: Benign for Breast-ovarian cancer, familial, susceptibility to, 2. Last evaluated: 2020-03-02. Review status: no assertion criteria provided. Collection method: clinical testing. Allele origin: germline. Affected: yes. Not counted in ClinVar's aggregate classification.

True Health Diagnostics
Classification: Likely benign for Hereditary cancer-predisposing syndrome. Last evaluated: 2017-10-10. Review status: no assertion criteria provided. Collection method: clinical testing. Allele origin: germline. Not counted in ClinVar's aggregate classification.

Mayo Clinic Laboratories, Mayo Clinic
Classification: Benign. Last evaluated: 2017-05-15. Review status: no assertion criteria provided. Collection method: clinical testing. Allele origin: unknown. Not counted in ClinVar's aggregate classification.

Counsyl
Classification: Benign for Breast-ovarian cancer, familial, susceptibility to, 2. Last evaluated: 2016-05-24. Review status: no assertion criteria provided. Collection method: clinical testing. Allele origin: unknown. Not counted in ClinVar's aggregate classification.

ITMI
No classification provided. Condition: AllHighlyPenetrant. Last evaluated: 2013-09-19. Review status: no classification provided. Collection method: reference population. Allele origin: germline. Not counted in ClinVar's aggregate classification.
Comment: Please see associated publication for description of ethnicities

Biesecker Lab/Clinical Genomics Section, National Institutes of Health
Classification: Uncertain significance. Last evaluated: 2012-07-13. Review status: no assertion criteria provided. Collection method: research. Allele origin: germline. Affected: no. Observed: 2 variant alleles. Study: ClinSeq. Not counted in ClinVar's aggregate classification.
ClinVar note: Converted during submission from variant of unknown significance to Uncertain significance.

Sharing Clinical Reports Project (SCRP)
Classification: Benign for Breast-ovarian cancer, familial 2. Last evaluated: 2012-05-01. Review status: no assertion criteria provided. Collection method: clinical testing. Allele origin: germline. Not counted in ClinVar's aggregate classification.

Breast Cancer Information Core (BIC) (BRCA2)
No classification provided. Condition: Breast-ovarian cancer, familial 2. Review status: no classification provided. Collection method: clinical testing. Allele origin: germline, unknown. Affected: yes. Observed: 147 variant alleles. Not counted in ClinVar's aggregate classification.

Clinical Genetics Laboratory, Department of Pathology, Netherlands Cancer Institute
Classification: Benign. Review status: no assertion criteria provided. Collection method: clinical testing. Allele origin: germline. Affected: yes. Study: VKGL Data-share Consensus. Not counted in ClinVar's aggregate classification.

Department of Pathology and Laboratory Medicine, Sinai Health System
Classification: Benign. Review status: no assertion criteria provided. Collection method: clinical testing. Allele origin: unknown. Affected: yes. Study: The Canadian Open Genetics Repository (COGR). Not counted in ClinVar's aggregate classification.

Diagnostic Laboratory, Department of Genetics, University Medical Center Groningen
Classification: Benign for Breast-ovarian cancer, familial, susceptibility to, 2. Review status: no assertion criteria provided. Collection method: clinical testing. Allele origin: germline. Affected: yes. Study: VKGL Data-share Consensus. Not counted in ClinVar's aggregate classification.

Joint Genome Diagnostic Labs from Nijmegen and Maastricht, Radboudumc and MUMC+
Classification: Benign. Review status: no assertion criteria provided. Collection method: clinical testing. Allele origin: germline. Affected: yes. Study: VKGL Data-share Consensus. Not counted in ClinVar's aggregate classification.

Laboratory of Diagnostic Genome Analysis, Leiden University Medical Center (LUMC)
Classification: Benign. Review status: no assertion criteria provided. Collection method: clinical testing. Allele origin: germline. Affected: yes. Study: VKGL Data-share Consensus. Not counted in ClinVar's aggregate classification.

Literature cited by the submitters: PubMed 21990134 (cited by 3 submitters); DOI 10.3389/fgene.2022.834265 (cited by National Health Laboratory Service, Universitas Academic Hospital and University of the Free State); PubMed 36329109 (cited by Genetics Program, Instituto Nacional de Cancer); PubMed 15290653 (cited by 3 submitters); PubMed 15695382 (cited by 3 submitters); PubMed 19200354 (cited by Women's Health and Genetics/Laboratory Corporation of America, LabCorp); PubMed 11389159 (cited by Women's Health and Genetics/Laboratory Corporation of America, LabCorp); PubMed 12474142 (cited by Women's Health and Genetics/Laboratory Corporation of America, LabCorp); PubMed 16489001 (cited by Women's Health and Genetics/Laboratory Corporation of America, LabCorp); PubMed 10699917 (cited by Women's Health and Genetics/Laboratory Corporation of America, LabCorp); PubMed 9126734 (cited by Women's Health and Genetics/Laboratory Corporation of America, LabCorp); PubMed 18451181 (cited by Women's Health and Genetics/Laboratory Corporation of America, LabCorp); PubMed 22713736 (cited by Women's Health and Genetics/Laboratory Corporation of America, LabCorp); PubMed 18607349 (cited by Women's Health and Genetics/Laboratory Corporation of America, LabCorp); PubMed 9042907 (cited by Women's Health and Genetics/Laboratory Corporation of America, LabCorp); PubMed 18824701 (cited by Women's Health and Genetics/Laboratory Corporation of America, LabCorp); PubMed 24728327 (cited by ITMI).